The following is an entry in ClinVar:

NM_015166.4(MLC1):c.512G>T (p.Cys171Phe)

Gene: MLC1 (modulator of VRAC current 1; minus strand). Cytogenetic location: 22q13.33.
Variant type: single nucleotide variant.
Coding change: c.512G>T on transcript NM_015166.4 (MANE Select); coding-DNA position 512, G replaced by T.
Protein change: p.Cys171Phe; replaces cysteine 171 with phenylalanine.
Molecular consequence: missense variant. On other transcripts: non-coding transcript variant (3).
Genome position (GRCh38, 1-based): chr22:50,077,414, C>A on the plus strand (G>T on the coding strand, the complement: MLC1 is on the minus strand). VCF-style: chr22-50077414-C-A. GRCh37 (hg19) VCF-style: chr22-50515843-C-A.
Other names: c.512G>T, p.Cys171Phe (NM_001376472.1, NM_001376473.1, NM_001376474.1 and 6 more transcripts); c.422G>T, p.Cys141Phe (NM_001376480.1); c.410G>T, p.Cys137Phe (NM_001376481.1); c.356G>T, p.Cys119Phe (NM_001376482.1, NM_001376483.1); c.275G>T, p.Cys92Phe (NM_001376484.1); short protein forms C171F, C119F, C137F, C141F, C92F.
Identifiers: ClinVar variation 21524 (VCV000021524.29), dbSNP rs6010260, ClinGen allele CA153702.

ClinVar aggregate classification (germline): Benign. Review status: criteria provided, multiple submitters, no conflicts (2 of 4 stars). 10 submissions from 10 submitters: Benign (8). 2 of the submissions do not count toward it. Last evaluated 2026-02-04.

Conditions:
Megalencephalic leukoencephalopathy with subcortical cysts. Also called: VAN DER KNAAP DISEASE. Identifiers: Orphanet 2478, MedGen C1858854, MONDO:0011391.
Megalencephalic leukoencephalopathy with subcortical cysts 1 (MLC1). Also called: LEUKOENCEPHALOPATHY WITH SWELLING AND CYSTS; VACUOLATING MEGALENCEPHALIC LEUKOENCEPHALOPATHY WITH SUBCORTICAL CYSTS. Identifiers: Orphanet 2478, MedGen C5779875, MONDO:0024555, OMIM 604004.

Allele frequency attached by ClinVar (database versions not stated): ExAC 0.12425; gnomAD exomes 0.12783 and 0.12168; gnomAD 0.10037 and 0.10544; ESP Exome Variant Server 0.10234; TOPMed 0.10779; 1000 Genomes Project 30x 0.11977; 1000 Genomes Project 0.12161.
gnomAD v4.1: 202,620 of 1,613,234 alleles (13%); highest among the groups gnomAD compares: South Asian, 22%; 13,601 homozygotes.

Submissions (10):

Labcorp Genetics (formerly Invitae), Labcorp
Classification: Benign. Last evaluated: 2026-02-04. Review status: criteria provided, single submitter. Criteria: Invitae Variant Classification Sherloc (09022015). Collection method: clinical testing. Allele origin: germline.

Blueprint Genetics
Classification: Benign. Last evaluated: 2024-11-28. Review status: criteria provided, single submitter. Criteria: ACMG Guidelines, 2015. Collection method: clinical testing. Allele origin: germline.

Mayo Clinic Laboratories, Mayo Clinic
Classification: Benign. Last evaluated: 2022-03-24. Review status: criteria provided, single submitter. Criteria: ACMG Guidelines, 2015. Collection method: clinical testing. Allele origin: germline. Observed: 103 variant alleles.

Genome-Nilou Lab
Classification: Benign for Megalencephalic leukoencephalopathy with subcortical cysts 1. Last evaluated: 2021-06-10. Review status: criteria provided, single submitter. Criteria: ACMG Guidelines, 2015. Collection method: clinical testing. Allele origin: germline. Affected: no.

GeneDx
Classification: Benign. Last evaluated: 2021-05-04. Review status: criteria provided, single submitter. Criteria: GeneDx Variant Classification Process June 2021. Collection method: clinical testing. Allele origin: germline. Affected: yes.

Illumina Laboratory Services, Illumina
Classification: Benign for Megalencephalic leukoencephalopathy with subcortical cysts 1. Last evaluated: 2018-01-12. Review status: criteria provided, single submitter. Criteria: ICSL Variant Classification Criteria 13 December 2019. Collection method: clinical testing. Allele origin: germline.
Comment: This variant was observed in the ICSL laboratory as part of a predisposition screen in an ostensibly healthy population. It had not been previously curated by ICSL or reported in the Human Gene Mutation Database (HGMD: prior to June 1st, 2018), and was therefore a candidate for classification through an automated scoring system. Utilizing variant allele frequency, disease prevalence and penetrance estimates, and inheritance mode, an automated score was calculated to assess if this variant is too frequent to cause the disease. Based on the score and internal cut-off values, a variant classified as benign is not then subjected to further curation. The score for this variant resulted in a classification of benign for this disease.

Breakthrough Genomics
Classification: Benign. Review status: criteria provided, single submitter. Criteria: ACMG Guidelines, 2015. Collection method: not provided. Allele origin: germline. Inheritance: Autosomal recessive inheritance. Affected: yes.

PreventionGenetics, part of Exact Sciences
Classification: Benign. Review status: criteria provided, single submitter. Criteria: ACMG Guidelines, 2015. Collection method: clinical testing. Allele origin: germline.

Natera, Inc.
Classification: Benign for Megalencephalic leukoencephalopathy with subcortical cysts. Last evaluated: 2019-11-21. Review status: no assertion criteria provided. Collection method: clinical testing. Allele origin: germline. Not counted in ClinVar's aggregate classification.

Genetic Services Laboratory, University of Chicago
Classification: Likely benign for AllHighlyPenetrant. Review status: no assertion criteria provided. Collection method: clinical testing. Allele origin: germline. Inheritance: Autosomal recessive inheritance. Not counted in ClinVar's aggregate classification.
Comment: Likely benign based on allele frequency in 1000 Genomes Project or ESP global frequency and its presence in a patient with a rare or unrelated disease phenotype. NOT Sanger confirmed.